The following is an entry in ClinVar:

ClinVar aggregate classification (germline): Uncertain significance (1 of 4 stars; one submission).

Conditions:
Hereditary cancer-predisposing syndrome. Also called: Hereditary Cancer Syndrome; Hereditary neoplastic syndrome; Neoplastic Syndromes, Hereditary; Tumor predisposition. Identifiers: Orphanet 140162, MedGen C0027672, MeSH D009386, MONDO:0015356.

Submission:

Ambry Genetics
Classification: Uncertain significance for Hereditary cancer-predisposing syndrome. Last evaluated: 2021-12-01. Review status: criteria provided, single submitter. Criteria: Ambry Variant Classification Scheme 2023. Collection method: clinical testing. Allele origin: germline.
Comment: The p.A1866S variant (also known as c.5596G>T), located in coding exon 41 of the POLE gene, results from a G to T substitution at nucleotide position 5596. The alanine at codon 1866 is replaced by serine, an amino acid with similar properties. This amino acid position is conserved. In addition, this alteration is predicted to be tolerated by in silico analysis. Since supporting evidence is limited at this time, the clinical significance of this alteration remains unclear.

NM_006231.4(POLE):c.5596G>T (p.Ala1866Ser)

Gene: POLE (DNA polymerase epsilon, catalytic subunit; minus strand). Cytogenetic location: 12q24.33.
Variant type: single nucleotide variant.
Coding change: c.5596G>T on transcript NM_006231.4 (MANE Select); coding-DNA position 5596, G replaced by T.
Protein change: p.Ala1866Ser; replaces alanine 1866 with serine.
Molecular consequence: missense variant.
Genome position (GRCh38, 1-based): chr12:132,638,096, C>A on the plus strand (G>T on the coding strand, the complement: POLE is on the minus strand). VCF-style: chr12-132638096-C-A. GRCh37 (hg19) VCF-style: chr12-133214682-C-A.
Other names: short protein forms A1866S.
Identifiers: ClinVar variation 1748512 (VCV001748512.2), dbSNP rs377662540, ClinGen allele CA387374135.
Genomic context (GRCh38, chr12:132,638,096, plus strand): 5'-AAGCGATGGCATCTTCCACACGGCGCTTCTTTGTACAGAGGATGATGCGGTTGAAGTTGG[C>A]GTAGATGACTGATGACCCCAGGCGCTTGAACTCAGCGATGAGCCTGTGGAGCAAGTTGAG-3'
Protein context (NP_006222.2, residues 1856-1876): FKRLGSSVIY[Ala1866Ser]NFNRIILCTK